The following is an entry in ClinVar:

NM_000051.4(ATM):c.8195T>C (p.Phe2732Ser)

Genes: ATM (ATM serine/threonine kinase; plus strand), C11orf65 (chromosome 11 open reading frame 65; minus strand). Cytogenetic location: 11q22.3.
Variant type: single nucleotide variant.
Coding change: c.8195T>C on transcript NM_000051.4 (MANE Select); coding-DNA position 8195, T replaced by C.
Protein change: p.Phe2732Ser; replaces phenylalanine 2732 with serine.
Molecular consequence: missense variant. On other transcripts: intron variant (2).
Genome position (GRCh38, 1-based): chr11:108,335,888, T>C. VCF-style: chr11-108335888-T-C. GRCh37 (hg19) VCF-style: chr11-108206615-T-C.
Other names: c.8195T>C, p.Phe2732Ser (NM_001351834.2); c.641-26817A>G (NM_001330368.2); c.695-596A>G (NM_001351110.2); short protein forms F2732S.
Identifiers: ClinVar variation 951111 (VCV000951111.10), dbSNP rs2086790430, ClinGen allele CA382562545.

ClinVar aggregate classification (germline): Uncertain significance (1 of 4 stars; one submission).

Conditions:
Ataxia-telangiectasia syndrome (AT). Also called: Ataxia-telangiectasia, complementation group D; AT, COMPLEMENTATION GROUP C; ATAXIA-TELANGIECTASIA, COMPLEMENTATION GROUP A; ATAXIA-TELANGIECTASIA, FRESNO VARIANT; Ataxia-telangiectasia; Ataxia telangiectasia (A-T). Identifiers: Orphanet 100, MedGen C0004135, MONDO:0008840, OMIM 208900.

Submission:

Labcorp Genetics (formerly Invitae), Labcorp
Classification: Uncertain significance for Ataxia-telangiectasia syndrome. Last evaluated: 2020-11-03. Review status: criteria provided, single submitter. Criteria: Invitae Variant Classification Sherloc (09022015). Collection method: clinical testing. Allele origin: germline.
Comment: This sequence change replaces phenylalanine with serine at codon 2732 of the ATM protein (p.Phe2732Ser). The phenylalanine residue is highly conserved and there is a large physicochemical difference between phenylalanine and serine. This variant is not present in population databases (ExAC no frequency). This variant has not been reported in the literature in individuals with ATM-related conditions. Algorithms developed to predict the effect of missense changes on protein structure and function (SIFT, PolyPhen-2, Align-GVGD) all suggest that this variant is likely to be disruptive, but these predictions have not been confirmed by published functional studies and their clinical significance is uncertain. In summary, the available evidence is currently insufficient to determine the role of this variant in disease. Therefore, it has been classified as a Variant of Uncertain Significance.